The following is an entry in ClinVar:

ClinVar aggregate classification (germline): Uncertain significance. Review status: criteria provided, multiple submitters, no conflicts (2 of 4 stars). 2 submissions from 2 submitters: Uncertain significance (2). Last evaluated 2023-11-15.

Conditions:
Inborn genetic diseases. Identifiers: MedGen C0950123, MeSH D030342.

Allele frequency attached by ClinVar (database versions not stated): ESP Exome Variant Server 0.00008; TOPMed 0.00009; gnomAD 0.00011.
gnomAD v4.1: 36 of 1,611,122 alleles (0.0022%); highest among the groups gnomAD compares: African/African-American, 0.017%; no homozygotes.

Submissions (2):

Ambry Genetics
Classification: Uncertain significance for Inborn genetic diseases. Last evaluated: 2023-11-15. Review status: criteria provided, single submitter. Criteria: Ambry Variant Classification Scheme 2023. Collection method: clinical testing. Allele origin: germline.

Labcorp Genetics (formerly Invitae), Labcorp
Classification: Uncertain significance. Last evaluated: 2022-07-06. Review status: criteria provided, single submitter. Criteria: Invitae Variant Classification Sherloc (09022015). Collection method: clinical testing. Allele origin: germline.
Comment: This sequence change replaces threonine, which is neutral and polar, with methionine, which is neutral and non-polar, at codon 190 of the HELLS protein (p.Thr190Met). This variant is present in population databases (rs142677560, gnomAD 0.02%). This variant has not been reported in the literature in individuals affected with HELLS-related conditions. ClinVar contains an entry for this variant (Variation ID: 1435726). Algorithms developed to predict the effect of missense changes on protein structure and function are either unavailable or do not agree on the potential impact of this missense change (SIFT: "Deleterious"; PolyPhen-2: "Possibly Damaging"; Align-GVGD: "Class C0"). In summary, the available evidence is currently insufficient to determine the role of this variant in disease. Therefore, it has been classified as a Variant of Uncertain Significance.

NM_018063.5(HELLS):c.569C>T (p.Thr190Met)

Gene: HELLS (helicase, lymphoid specific; plus strand). Cytogenetic location: 10q23.33.
Variant type: single nucleotide variant.
Coding change: c.569C>T on transcript NM_018063.5 (MANE Select); coding-DNA position 569, C replaced by T.
Protein change: p.Thr190Met; replaces threonine 190 with methionine.
Molecular consequence: missense variant. On other transcripts: 5 prime UTR variant (2).
Genome position (GRCh38, 1-based): chr10:94,574,051, C>T. VCF-style: chr10-94574051-C-T. GRCh37 (hg19) VCF-style: chr10-96333808-C-T.
Other names: c.569C>T, p.Thr190Met (NM_001289067.2, NM_001289069.2, NM_001289070.2 and 1 more transcripts); c.521C>T, p.Thr174Met (NM_001289068.2); c.197C>T, p.Thr66Met (NM_001289071.2); c.155C>T, p.Thr52Met (NM_001289073.2); c.-434C>T (NM_001289074.2); c.-453C>T (NM_001289075.2); c.569C>T (NM_018063.3); short protein forms T174M, T52M, T190M, T66M.
Identifiers: ClinVar variation 1435726 (VCV001435726.4), dbSNP rs142677560, ClinGen allele CA5615331.